The following is an entry in ClinVar:

NM_001042472.3(ABHD12):c.967T>C (p.Cys323Arg)

Gene: ABHD12 (abhydrolase domain containing 12, lysophospholipase; minus strand). Cytogenetic location: 20p11.21.
Variant type: single nucleotide variant.
Coding change: c.967T>C on transcript NM_001042472.3 (MANE Select); coding-DNA position 967, T replaced by C.
Protein change: p.Cys323Arg; replaces cysteine 323 with arginine.
Molecular consequence: missense variant.
Genome position (GRCh38, 1-based): chr20:25,303,612, A>G on the plus strand (T>C on the coding strand, the complement: ABHD12 is on the minus strand). VCF-style: chr20-25303612-A-G. GRCh37 (hg19) VCF-style: chr20-25284248-A-G.
Other names: c.967T>C (NM_001042472.2); c.967T>C, p.Cys323Arg (NM_015600.5); short protein forms C323R.
Identifiers: ClinVar variation 999705 (VCV000999705.9), dbSNP rs375661124, ClinGen allele CA9795917.

ClinVar aggregate classification (germline): Uncertain significance. Review status: criteria provided, multiple submitters, no conflicts (2 of 4 stars). 3 submissions from 3 submitters: Uncertain significance (3). Last evaluated 2024-09-11.

Conditions:
PHARC syndrome. Also called: Polyneuropathy-hearing loss-ataxia-retinitis pigmentosa-cataract syndrome. Identifiers: Orphanet 171848, MedGen C2675204, MONDO:0012984, OMIM 612674.

Allele frequency attached by ClinVar (database versions not stated): gnomAD 0.00001; gnomAD exomes 0.00001; ExAC 0.00002; TOPMed 0.00003; ESP Exome Variant Server 0.00008.

Submissions (3):

Blueprint Genetics
Classification: Uncertain significance. Last evaluated: 2024-09-11. Review status: criteria provided, single submitter. Criteria: ACMG Guidelines, 2015. Collection method: clinical testing. Allele origin: germline.

Labcorp Genetics (formerly Invitae), Labcorp
Classification: Uncertain significance. Last evaluated: 2022-10-13. Review status: criteria provided, single submitter. Criteria: Invitae Variant Classification Sherloc (09022015). Collection method: clinical testing. Allele origin: germline.
Comment: This sequence change replaces cysteine, which is neutral and slightly polar, with arginine, which is basic and polar, at codon 323 of the ABHD12 protein (p.Cys323Arg). This variant is present in population databases (rs375661124, gnomAD 0.004%). This variant has not been reported in the literature in individuals affected with ABHD12-related conditions. ClinVar contains an entry for this variant (Variation ID: 999705). Advanced modeling of protein sequence and biophysical properties (such as structural, functional, and spatial information, amino acid conservation, physicochemical variation, residue mobility, and thermodynamic stability) performed at Invitae indicates that this missense variant is not expected to disrupt ABHD12 protein function. In summary, the available evidence is currently insufficient to determine the role of this variant in disease. Therefore, it has been classified as a Variant of Uncertain Significance.

Revvity Omics, Revvity
Classification: Uncertain significance for PHARC syndrome. Last evaluated: 2019-05-03. Review status: criteria provided, single submitter. Criteria: ACMG Guidelines, 2015. Collection method: clinical testing. Allele origin: germline.